The following is an entry in ClinVar:

ClinVar aggregate classification (germline): Uncertain significance (1 of 4 stars; one submission).

Conditions:
Mucopolysaccharidosis, MPS-III-A (MPS3A). Also called: HEPARAN SULFATE SULFATASE DEFICIENCY; SANFILIPPO SYNDROME A; SULFAMIDASE DEFICIENCY; MPS III A; MPS IIIA (Sanfilippo Syndrome Type A); Mucopolysaccharidosis type IIIA (Sanfilippo A). Identifiers: Orphanet 581, Orphanet 79269, MedGen C0086647, MONDO:0009655, OMIM 252900.

Allele frequency attached by ClinVar (database versions not stated): gnomAD exomes below 0.00001; ExAC 0.00001; gnomAD 0.00001; TOPMed 0.00002; 1000 Genomes Project 30x 0.00016; 1000 Genomes Project 0.00020.
gnomAD v4.1: 12 of 1,601,240 alleles (0.00075%); highest among the groups gnomAD compares: African/African-American, 0.012%; no homozygotes.

Submission:

Labcorp Genetics (formerly Invitae), Labcorp
Classification: Uncertain significance for Mucopolysaccharidosis, MPS-III-A. Last evaluated: 2022-08-15. Review status: criteria provided, single submitter. Criteria: Invitae Variant Classification Sherloc (09022015). Collection method: clinical testing. Allele origin: germline.
Comment: This sequence change replaces glutamine, which is neutral and polar, with arginine, which is basic and polar, at codon 494 of the SGSH protein (p.Gln494Arg). The frequency data for this variant in the population databases is considered unreliable, as metrics indicate poor data quality at this position in the gnomAD database. This variant has not been reported in the literature in individuals affected with SGSH-related conditions. ClinVar contains an entry for this variant (Variation ID: 1446413). Algorithms developed to predict the effect of missense changes on protein structure and function (SIFT, PolyPhen-2, Align-GVGD) all suggest that this variant is likely to be tolerated. In summary, the available evidence is currently insufficient to determine the role of this variant in disease. Therefore, it has been classified as a Variant of Uncertain Significance.

NM_000199.5(SGSH):c.1481A>G (p.Gln494Arg)

Gene: SGSH (N-sulfoglucosamine sulfohydrolase; minus strand). Cytogenetic location: 17q25.3.
Variant type: single nucleotide variant.
Coding change: c.1481A>G on transcript NM_000199.5 (MANE Select); coding-DNA position 1481, A replaced by G.
Protein change: p.Gln494Arg; replaces glutamine 494 with arginine.
Molecular consequence: missense variant. On other transcripts: 3 prime UTR variant (2), non-coding transcript variant (1).
Genome position (GRCh38, 1-based): chr17:80,210,480, T>C on the plus strand (A>G on the coding strand, the complement: SGSH is on the minus strand). VCF-style: chr17-80210480-T-C. GRCh37 (hg19) VCF-style: chr17-78184279-T-C.
Other names: c.*568A>G (NM_001352921.3); c.*531A>G (NM_001352922.2); short protein forms Q494R.
Identifiers: ClinVar variation 1446413 (VCV001446413.3), dbSNP rs562445330, ClinGen allele CA8817567.
Genomic context (GRCh38, chr17:80,210,480, plus strand): 5'-CCTGGGATGTGTGCACAGGCCTCCTGGGATGGTCACAGCTCATTGTGGAGGGGCTGGCAC[T>C]GGGGAGAGAGCTTCTCCTCCAGGACGCCGTCGGGGGCGCACACCCAGGGGTCGTGGGTCT-3'
Protein context (NP_000190.1, residues 484-502): DGVLEEKLSP[Gln494Arg]CQPLHNEL